The following is an entry in ClinVar:

ClinVar aggregate classification (germline): Uncertain significance (1 of 4 stars; one submission).

Conditions:
Rubinstein-Taybi syndrome due to EP300 haploinsufficiency. Also called: EP300-Related Rubinstein-Taybi Syndrome; RUBINSTEIN-TAYBI SYNDROME 2. Identifiers: Orphanet 353284, Orphanet 783, MedGen C3150941, MONDO:0013364, OMIM 613684.

Submission:

Labcorp Genetics (formerly Invitae), Labcorp
Classification: Uncertain significance for Rubinstein-Taybi syndrome due to EP300 haploinsufficiency. Last evaluated: 2025-06-03. Review status: criteria provided, single submitter. Criteria: Invitae Variant Classification Sherloc (09022015). Collection method: clinical testing. Allele origin: germline.
Comment: This variant, c.6988_7011del, results in the deletion of 8 amino acid(s) of the EP300 protein (p.Arg2330_Pro2337del), but otherwise preserves the integrity of the reading frame. This variant is not present in population databases (gnomAD no frequency). This variant has not been reported in the literature in individuals affected with EP300-related conditions. Experimental studies and prediction algorithms are not available or were not evaluated, and the functional significance of this variant is currently unknown. In summary, the available evidence is currently insufficient to determine the role of this variant in disease. Therefore, it has been classified as a Variant of Uncertain Significance.

NM_001429.4(EP300):c.6988_7011del (p.Arg2330_Pro2337del)

Gene: EP300 (EP300 lysine acetyltransferase; plus strand). Cytogenetic location: 22q13.2.
Variant type: Deletion.
Coding change: c.6988_7011del on transcript NM_001429.4 (MANE Select); coding-DNA positions 6988 to 7011, 24 bases deleted (AGGATGCAGCCTCAGCCTTCTCCA).
Protein change: p.Arg2330_Pro2337del.
Molecular consequence: inframe deletion.
Genome position (GRCh38, 1-based): chr22:41,178,699-41,178,722, AGGATGCAGCCTCAGCCTTCTCCA deleted; deleting any 24 consecutive bases within chr22:41,178,696-41,178,722 gives the same sequence; the c. name uses the placement nearest the transcript's 3' end. VCF-style (leftmost placement, unchanged base first): chr22-41178695-CCCAAGGATGCAGCCTCAGCCTTCT-C. GRCh37 (hg19) VCF-style: chr22-41574699-CCCAAGGATGCAGCCTCAGCCTTCT-C.
Other names: c.6910_6933del, p.Arg2304_Pro2311del (NM_001362843.2).
Identifiers: ClinVar variation 4720428 (VCV004720428.1).